The following is an entry in ClinVar:

ClinVar aggregate classification (germline): Conflicting classifications of pathogenicity. Review status: criteria provided, conflicting classifications (1 of 4 stars). 3 submissions from 3 submitters: Uncertain significance (2); Likely benign (1). Last evaluated 2025-08-24.

Conditions:
Inflammatory skin and bowel disease, neonatal, 2 (NNCIS). Identifiers: Orphanet 294023, MedGen C4015130, MONDO:0014481, OMIM 616069.
Lung cancer. Also called: Malignant tumor of lung; Lung cancer, somatic. Identifiers: MedGen C0242379, MONDO:0008903, OMIM 211980.
Hereditary cancer-predisposing syndrome. Also called: Tumor predisposition; Hereditary neoplastic syndrome; Neoplastic Syndromes, Hereditary; Hereditary Cancer Syndrome. Identifiers: Orphanet 140162, MedGen C0027672, MeSH D009386, MONDO:0015356.
EGFR-related lung cancer (EGFR). Identifiers: MedGen CN130014.

Allele frequency attached by ClinVar (database versions not stated): ExAC 0.00001; gnomAD 0.00002; gnomAD exomes 0.00002 and 0.00010; TOPMed 0.00002.
gnomAD v4.1: 138 of 1,614,134 alleles (0.0085%); highest among the groups gnomAD compares: Non-Finnish European, 0.012%; no homozygotes.

Submissions (3):

Labcorp Genetics (formerly Invitae), Labcorp
Classification: Uncertain significance for EGFR-related lung cancer. Last evaluated: 2025-08-24. Review status: criteria provided, single submitter. Criteria: Invitae Variant Classification Sherloc (09022015). Collection method: clinical testing. Allele origin: germline.
Comment: This sequence change replaces isoleucine, which is neutral and non-polar, with valine, which is neutral and non-polar, at codon 351 of the EGFR protein (p.Ile351Val). This variant is present in population databases (rs767790289, gnomAD 0.003%). This variant has not been reported in the literature in individuals affected with EGFR-related conditions. ClinVar contains an entry for this variant (Variation ID: 960197). Invitae Evidence Modeling of protein sequence and biophysical properties (such as structural, functional, and spatial information, amino acid conservation, physicochemical variation, residue mobility, and thermodynamic stability) indicates that this missense variant is not expected to disrupt EGFR protein function with a negative predictive value of 80%. In summary, the available evidence is currently insufficient to determine the role of this variant in disease. Therefore, it has been classified as a Variant of Uncertain Significance.

Ambry Genetics
Classification: Likely benign for Hereditary cancer-predisposing syndrome. Last evaluated: 2025-02-05. Review status: criteria provided, single submitter. Criteria: Ambry Variant Classification Scheme 2023. Collection method: clinical testing. Allele origin: germline.

Fulgent Genetics
Classification: Uncertain significance for Lung cancer; Inflammatory skin and bowel disease, neonatal, 2. Last evaluated: 2024-02-02. Review status: criteria provided, single submitter. Criteria: ACMG Guidelines, 2015. Collection method: clinical testing. Allele origin: germline.

NM_005228.5(EGFR):c.1051A>G (p.Ile351Val)

Genes: EGFR (epidermal growth factor receptor; plus strand), LOC126860048 (P300/CBP strongly-dependent group 1 enhancer GRCh37_chr7:55223847-55225046; plus strand). Cytogenetic location: 7p11.2.
Variant type: single nucleotide variant.
Coding change: c.1051A>G on transcript NM_005228.5 (MANE Select); coding-DNA position 1051, A replaced by G.
Protein change: p.Ile351Val; replaces isoleucine 351 with valine.
Molecular consequence: missense variant.
Genome position (GRCh38, 1-based): chr7:55,156,577, A>G. VCF-style: chr7-55156577-A-G. GRCh37 (hg19) VCF-style: chr7-55224270-A-G.
Other names: c.916A>G, p.Ile306Val (NM_001346897.2, NM_001346899.2); c.1051A>G, p.Ile351Val (NM_001346898.2, NM_201282.2, NM_201283.2 and 1 more transcripts); c.892A>G, p.Ile298Val (NM_001346900.2); c.250A>G, p.Ile84Val (NM_001346941.2); short protein forms I306V, I298V, I351V, I84V.
Identifiers: ClinVar variation 960197 (VCV000960197.10), dbSNP rs767790289, ClinGen allele CA4265468.